The following is an entry in ClinVar:

NM_005732.4(RAD50):c.3593_3603del (p.Arg1198fs)

Genes: TH2-LCR (Th2 cytokine locus control region; plus strand), TH2LCRR (T helper type 2 locus control region associated RNA; minus strand), RAD50 (RAD50 double strand break repair protein; plus strand). Cytogenetic location: 5q31.1.
Variant type: Deletion.
Coding change: c.3593_3603del on transcript NM_005732.4 (MANE Select); coding-DNA positions 3593 to 3603, 11 bases deleted (GAGGACGATGC).
Protein change: p.Arg1198fs; shifts the reading frame from arginine 1198.
Molecular consequence: frameshift variant. On other transcripts: non-coding transcript variant (3).
Genome position (GRCh38, 1-based): chr5:132,638,198-132,638,208, GAGGACGATGC deleted; deleting any 11 consecutive bases within chr5:132,638,194-132,638,208 gives the same sequence; the c. name uses the placement nearest the transcript's 3' end. VCF-style (leftmost placement, unchanged base first): chr5-132638193-TATGCGAGGACG-T. GRCh37 (hg19) VCF-style: chr5-131973885-TATGCGAGGACG-T.
Other names: short protein forms R1198fs.
Identifiers: ClinVar variation 2709657 (VCV002709657.3), dbSNP rs2479428072, ClinGen allele CA2697546489.
Genomic context (GRCh38, chr5:132,638,193, plus strand): 5'-TGATAAAAGGCGGAATTATAACTACCGAGTGGTGATGCTGAAGGGAGACACAGCCTTGGA[TATGCGAGGACG>T]ATGCAGTGCTGGACAAAAGGCAGGTATCTCAAAAGCCTGGGGAGCCAACTCACCCAAGTA-3'

ClinVar aggregate classification (germline): Pathogenic (1 of 4 stars; one submission).

Conditions:
Hereditary cancer-predisposing syndrome. Also called: Neoplastic Syndromes, Hereditary; Tumor predisposition; Hereditary Cancer Syndrome; Hereditary neoplastic syndrome. Identifiers: Orphanet 140162, MedGen C0027672, MeSH D009386, MONDO:0015356.

Submission:

Labcorp Genetics (formerly Invitae), Labcorp
Classification: Pathogenic for Hereditary cancer-predisposing syndrome. Last evaluated: 2023-06-10. Review status: criteria provided, single submitter. Criteria: Invitae Variant Classification Sherloc (09022015). Collection method: clinical testing. Allele origin: germline.
Comment: For these reasons, this variant has been classified as Pathogenic. This variant has not been reported in the literature in individuals affected with RAD50-related conditions. This variant is not present in population databases (gnomAD no frequency). This sequence change creates a premature translational stop signal (p.Arg1198Glnfs*18) in the RAD50 gene. It is expected to result in an absent or disrupted protein product. Loss-of-function variants in RAD50 are known to be pathogenic (PMID: 19409520).

Literature cited by the submitters: PubMed 19409520.